The following is an entry in ClinVar:

ClinVar aggregate classification (germline): Benign (1 of 4 stars; one submission).

Conditions:
Congenital absence of salivary gland (ALSG). Also called: Aplasia of lacrimal and salivary glands; Salivary glands, absence of. Identifiers: Orphanet 86815, MedGen C0158667, MONDO:0008397, OMIM 180920.

Allele frequency attached by ClinVar (database versions not stated): gnomAD below 0.00001 and 0.00003; TOPMed below 0.00001; gnomAD exomes 0.00008 and 0.00010; ExAC 0.00013; 1000 Genomes Project 30x 0.00016; 1000 Genomes Project 0.00020.
gnomAD v4.1: 114 of 1,613,918 alleles (0.0071%); highest among the groups gnomAD compares: South Asian, 0.12%; 1 homozygote.

Submission:

Illumina Laboratory Services, Illumina
Classification: Benign for Congenital absence of salivary gland. Last evaluated: 2018-01-13. Review status: criteria provided, single submitter. Criteria: ICSL Variant Classification Criteria 13 December 2019. Collection method: clinical testing. Allele origin: germline.
Comment: This variant was observed in the ICSL laboratory as part of a predisposition screen in an ostensibly healthy population. It had not been previously curated by ICSL or reported in the Human Gene Mutation Database (HGMD: prior to June 1st, 2018), and was therefore a candidate for classification through an automated scoring system. Utilizing variant allele frequency, disease prevalence and penetrance estimates, and inheritance mode, an automated score was calculated to assess if this variant is too frequent to cause the disease. Based on the score and internal cut-off values, a variant classified as benign is not then subjected to further curation. The score for this variant resulted in a classification of benign for this disease.

NM_004465.2(FGF10):c.261G>A (p.Lys87=)

Gene: FGF10 (fibroblast growth factor 10; minus strand). Cytogenetic location: 5p12.
Variant type: single nucleotide variant.
Coding change: c.261G>A on transcript NM_004465.2 (MANE Select); coding-DNA position 261, G replaced by A.
Protein change: p.Lys87=; no amino-acid change (lysine 87 retained).
Molecular consequence: synonymous variant.
Genome position (GRCh38, 1-based): chr5:44,388,422, C>T on the plus strand (G>A on the coding strand, the complement: FGF10 is on the minus strand). VCF-style: chr5-44388422-C-T. GRCh37 (hg19) VCF-style: chr5-44388524-C-T.
Identifiers: ClinVar variation 353725 (VCV000353725.5), dbSNP rs545941601, ClinGen allele CA3258547.